The following is an entry in ClinVar:

ClinVar aggregate classification (germline): Uncertain significance. Review status: criteria provided, multiple submitters, no conflicts (2 of 4 stars). 2 submissions from 2 submitters: Uncertain significance (2). Last evaluated 2024-07-06.

Conditions:
Familial sleep-related hypermotor epilepsy. Also called: Autosomal Dominant Sleep-Related Hypermotor (Hyperkinetic) Epilepsy. Identifiers: Orphanet 98784, MedGen C3696898, MONDO:0000030.

Allele frequency attached by ClinVar (database versions not stated): gnomAD exomes 0.00001; gnomAD 0.00001.
gnomAD v4.1: 5 of 1,613,670 alleles (0.00031%); highest among the groups gnomAD compares: East Asian, 0.0022%; no homozygotes.

Submissions (2):

Labcorp Genetics (formerly Invitae), Labcorp
Classification: Uncertain significance. Last evaluated: 2024-07-06. Review status: criteria provided, single submitter. Criteria: Invitae Variant Classification Sherloc (09022015). Collection method: clinical testing. Allele origin: germline.
Comment: This sequence change replaces arginine, which is basic and polar, with leucine, which is neutral and non-polar, at codon 345 of the CHRNA4 protein (p.Arg345Leu). This variant is present in population databases (no rsID available, gnomAD 0.003%). This variant has not been reported in the literature in individuals affected with CHRNA4-related conditions. This missense change has been observed in at least one individual who was not affected with CHRNA4-related conditions (Inivtae). ClinVar contains an entry for this variant (Variation ID: 1302140). Advanced modeling of protein sequence and biophysical properties (such as structural, functional, and spatial information, amino acid conservation, physicochemical variation, residue mobility, and thermodynamic stability) performed at Invitae indicates that this missense variant is expected to disrupt CHRNA4 protein function with a positive predictive value of 80%. In summary, the available evidence is currently insufficient to determine the role of this variant in disease. Therefore, it has been classified as a Variant of Uncertain Significance.

GeneDx
Classification: Uncertain significance. Last evaluated: 2019-05-15. Review status: criteria provided, single submitter. Criteria: GeneDx Variant Classification Process June 2021. Collection method: clinical testing. Allele origin: germline. Affected: yes.
Comment: Not observed at a significant frequency in large population cohorts (Lek et al., 2016); In silico analysis, which includes protein predictors and evolutionary conservation, supports a deleterious effect; Has not been previously published as pathogenic or benign to our knowledge

NM_000744.7(CHRNA4):c.1034G>T (p.Arg345Leu)

Gene: CHRNA4 (cholinergic receptor nicotinic alpha 4 subunit; minus strand). Cytogenetic location: 20q13.33.
Variant type: single nucleotide variant.
Coding change: c.1034G>T on transcript NM_000744.7 (MANE Select); coding-DNA position 1034, G replaced by T.
Protein change: p.Arg345Leu; replaces arginine 345 with leucine.
Molecular consequence: missense variant. On other transcripts: non-coding transcript variant (1).
Genome position (GRCh38, 1-based): chr20:63,350,377, C>A on the plus strand (G>T on the coding strand, the complement: CHRNA4 is on the minus strand). VCF-style: chr20-63350377-C-A. GRCh37 (hg19) VCF-style: chr20-61981729-C-A.
Other names: c.506G>T, p.Arg169Leu (NM_001256573.2); short protein forms R169L, R345L.
Identifiers: ClinVar variation 1302140 (VCV001302140.5), dbSNP rs200666489, ClinGen allele CA409635456.
Genomic context (GRCh38, chr20:63,350,377, plus strand): 5'-TTGACCACGGACGGCCGCTTCATGAGGAGCAGGCGTGGCACGATGTCCAGGAAGACCCTG[C>A]GTACCCAGGTGGGCATGGTGTGCGTGCGTGGCGAGCGGTGGTGCACGTTGAGCACGAAGA-3'
Protein context (NP_000735.1, residues 335-355): PRTHTMPTWV[Arg345Leu]RVFLDIVPRL